The following is an entry in ClinVar:

ClinVar aggregate classification (germline): Pathogenic. Review status: reviewed by expert panel (3 of 4 stars). 3 submissions from 3 submitters: Pathogenic (1). 2 of the submissions do not count toward it. Last evaluated 2017-12-15.

Conditions:
Breast-ovarian cancer, familial, susceptibility to, 2 (BROVCA2). Also called: BRCA2 Hereditary Breast and Ovarian Cancer. Identifiers: Orphanet 145, MedGen C2675520, MONDO:0012933, OMIM 612555. Disease mechanism: loss of function.
Hereditary cancer-predisposing syndrome. Also called: Hereditary Cancer Syndrome; Hereditary neoplastic syndrome; Tumor predisposition; Neoplastic Syndromes, Hereditary. Identifiers: Orphanet 140162, MedGen C0027672, MeSH D009386, MONDO:0015356.
Hereditary breast ovarian cancer syndrome. Also called: Hereditary breast and ovarian cancer syndrome; BRCA1- and BRCA2-Associated Hereditary Breast and Ovarian Cancer; Hereditary breast and ovarian cancer syndrome (HBOC); Hereditary breast and/or ovarian cancer syndrome; Hereditary breast and ovarian cancer; Breast and ovarian cancer. Identifiers: Orphanet 145, MedGen C0677776, MeSH D061325, MONDO:0003582. Disease mechanism: loss of function.

Submissions (3):

Evidence-based Network for the Interpretation of Germline Mutant Alleles (ENIGMA)
Classification: Pathogenic for Breast-ovarian cancer, familial, susceptibility to, 2. Last evaluated: 2017-12-15. Review status: reviewed by expert panel. Criteria: ENIGMA BRCA1/2 Classification Criteria (2017-06-29). Collection method: curation. Allele origin: germline. Study: ENIGMA.
Comment: Variant allele predicted to encode a truncated non-functional protein.

Labcorp Genetics (formerly Invitae), Labcorp
Classification: Pathogenic for Hereditary breast ovarian cancer syndrome. Last evaluated: 2024-04-24. Review status: criteria provided, single submitter. Criteria: Invitae Variant Classification Sherloc (09022015). Collection method: clinical testing. Allele origin: germline. Not counted in ClinVar's aggregate classification.
Comment: This sequence change creates a premature translational stop signal (p.Ser2103Ilefs*8) in the BRCA2 gene. It is expected to result in an absent or disrupted protein product. Loss-of-function variants in BRCA2 are known to be pathogenic (PMID: 20104584). This variant is not present in population databases (gnomAD no frequency). This variant has not been reported in the literature in individuals affected with BRCA2-related conditions. ClinVar contains an entry for this variant (Variation ID: 441299). For these reasons, this variant has been classified as Pathogenic.

Ambry Genetics
Classification: Pathogenic for Hereditary cancer-predisposing syndrome. Last evaluated: 2015-10-29. Review status: criteria provided, single submitter. Criteria: Ambry Variant Classification Scheme 2023. Collection method: clinical testing. Allele origin: germline. Not counted in ClinVar's aggregate classification.
Comment: The c.6305dupT pathogenic mutation, located in coding exon 10 of the BRCA2 gene, results from a duplication of T at nucleotide position 6305, causing a translational frameshift with a predicted alternate stop codon. Since frameshifts are typically deleterious in nature, this alteration is interpreted as a disease-causing mutation (ACMG Recommendations for Standards for Interpretation and Reporting of Sequence Variations. Revision 2007. Genet Med. 2008;10:294).

Literature cited by the submitters: PubMed 20104584 (cited by Labcorp Genetics (formerly Invitae), Labcorp).

NM_000059.4(BRCA2):c.6305dup (p.Ser2103fs)

Gene: BRCA2 (BRCA2 DNA repair associated; plus strand). Cytogenetic location: 13q13.1.
Variant type: Duplication.
Coding change: c.6305dup on transcript NM_000059.4 (MANE Select); coding-DNA position 6305, one base duplicated (T; older notation c.6305dupT).
Protein change: p.Ser2103fs; shifts the reading frame from serine 2103.
Molecular consequence: frameshift variant.
Genome position (GRCh38, 1-based): chr13:32,340,660, T duplicated. VCF-style (leftmost placement, unchanged base first): chr13-32340659-G-GT. GRCh37 (hg19) VCF-style: chr13-32914796-G-GT.
Other names: c.6305dupT (NM_000059.3); short protein forms S2103fs.
Identifiers: ClinVar variation 441299 (VCV000441299.7), dbSNP rs1555284628, ClinGen allele CA658653664.